The following is an entry in ClinVar:

NM_001085458.2(CTNND1):c.2022del (p.Ser675fs)

Genes: CTNND1 (catenin delta 1; plus strand), TMX2-CTNND1 (TMX2-CTNND1 readthrough (NMD candidate); plus strand). Cytogenetic location: 11q12.1.
Variant type: Deletion.
Coding change: c.2022del on transcript NM_001085458.2 (MANE Select); coding-DNA position 2022, one base deleted (G; older notation c.2022delG).
Protein change: p.Ser675fs; shifts the reading frame from serine 675.
Molecular consequence: frameshift variant. On other transcripts: non-coding transcript variant (1).
Genome position (GRCh38, 1-based): chr11:57,808,223, G deleted. VCF-style (leftmost placement, unchanged base first): chr11-57808222-AG-A. GRCh37 (hg19) VCF-style: chr11-57575694-AG-A.
Other names: c.2004del, p.Ser669fs (NM_001085459.2, NM_001085460.2, NM_001085461.2 and 2 more transcripts); c.1719del, p.Ser574fs (NM_001085463.2, NM_001085466.2); c.1701del, p.Ser568fs (NM_001085464.2, NM_001085465.2, NM_001085467.2 and 3 more transcripts); c.1860del, p.Ser621fs (NM_001206883.2, NM_001206884.2); c.2022del, p.Ser675fs (NM_001206885.2); c.1842del, p.Ser615fs (NM_001206886.2, NM_001206887.2, NM_001206888.2 and 2 more transcripts); short protein forms S621fs, S568fs, S574fs, S615fs, S669fs, S675fs.
Identifiers: ClinVar variation 4294468 (VCV004294468.1).

ClinVar aggregate classification (germline): Likely pathogenic (1 of 4 stars; one submission).

Conditions:
Blepharocheilodontic syndrome 2 (BCDS2). Identifiers: MedGen C4540127, MONDO:0040503, OMIM 617681.

Submission:

Molecular Genetics Department, Kulakov National Medical Research Center for Obstetrics, Gynecology and Perinatology
Classification: Likely pathogenic for Blepharocheilodontic syndrome 2. Review status: criteria provided, single submitter. Criteria: ACMG Guidelines, 2015. Collection method: clinical testing. Allele origin: germline. Affected: yes. Observed: 1 variant allele.
Comment: A previously undescribed heterozygous nucleotide variant creates a frameshift p.Ser675AlafsTer7 in the CTNND1 gene. Heterozygous variants leading to loss of full-length protein are reported in patients with blepharocheilodontic syndrome 2, 617681. The variant is not present in population database (gnomAD no frequency). In summary, the currently available evidence indicates that the variant is pathogenic, but additional data are needed to prove that conclusively. Therefore, this variant has been classified as likely pathogenic.